The following is an entry in ClinVar:

NM_001165963.4(SCN1A):c.4002+2558_4002+2559dup

Genes: SCN1A (sodium voltage-gated channel alpha subunit 1; minus strand), LOC102724058 (uncharacterized LOC102724058; plus strand). Cytogenetic location: 2q24.3.
Variant type: Duplication.
Coding change: c.4002+2558_4002+2559dup on transcript NM_001165963.4 (MANE Select); bases 2558 to 2559 of the intron after coding-DNA position 4002, 2 bases duplicated (GG; older notation c.4002+2558_4002+2559dupGG).
Molecular consequence: intron variant.
Genome position (GRCh38, 1-based): chr2:166,007,160-166,007,161, CC duplicated on the plus strand (GG on the coding strand, the reverse complement: SCN1A is on the minus strand); duplicating any 2 consecutive bases within chr2:166,007,160-166,007,162 gives the same sequence; the c. name uses the placement nearest the transcript's 3' end. VCF-style (leftmost placement, unchanged base first): chr2-166007159-T-TCC. GRCh37 (hg19) VCF-style: chr2-166863669-T-TCC.
Other names: c.3969+2558_3969+2559dup (NM_001353949.2, NM_001353950.2, NM_001353951.2 and 2 more transcripts); c.3918+2558_3918+2559dup (NM_001353958.2, NM_001353957.2, NM_001165964.3); c.4002+2558_4002+2559dup (NM_001202435.3, NM_001353948.2); c.3966+2558_3966+2559dup (NM_001353955.2, NM_001353954.2); c.3915+2558_3915+2559dup (NM_001353960.2); c.1560+2558_1560+2559dup (NM_001353961.2).
Identifiers: ClinVar variation 4719694 (VCV004719694.1).
Genomic context (GRCh38, chr2:166,007,159, plus strand): 5'-GGATTAGGATGTAAATAATGTATTTTCCCTACTGTGGTGCAATAATAGTACCCTTCCCAA[T>TCC]CCCTCCCTCACCCCACTACACATAAGTCACAGTGCAAGGATTAAAGGTAGCAAAAGGGGT-3'

ClinVar aggregate classification (germline): Uncertain significance (1 of 4 stars; one submission).

Conditions:
Early-infantile DEE. Also called: Ohtahara syndrome; Early infantile epileptic encephalopathy with suppression bursts; Early infantile epileptic encephalopathy. Identifiers: Orphanet 1934, MedGen C0393706, MONDO:0800491.

Submission:

Labcorp Genetics (formerly Invitae), Labcorp
Classification: Uncertain significance for Early-infantile DEE. Last evaluated: 2025-05-17. Review status: criteria provided, single submitter. Criteria: Invitae Variant Classification Sherloc (09022015). Collection method: clinical testing. Allele origin: germline.
Comment: This sequence change falls in intron 20 of the SCN1A gene. It does not directly change the encoded amino acid sequence of the SCN1A protein. However, this sequence change falls within a region encompassing a cryptic exon in the SCN1A gene, in which variants have been shown to alter splicing (PMID: 30526861, 34107977). This variant is not present in population databases (gnomAD no frequency). This variant has not been reported in the literature in individuals affected with SCN1A-related conditions. Algorithms developed to predict the effect of sequence changes on RNA splicing suggest that this variant is not likely to affect RNA splicing. In summary, the available evidence is currently insufficient to determine the role of this variant in disease. Therefore, it has been classified as a Variant of Uncertain Significance.

Literature cited by the submitters: PubMed 30526861; PubMed 34107977.